The following is an entry in ClinVar:

NM_000785.4(CYP27B1):c.347A>G (p.His116Arg)

Gene: CYP27B1 (cytochrome P450 family 27 subfamily B member 1; minus strand). Cytogenetic location: 12q14.1.
Variant type: single nucleotide variant.
Coding change: c.347A>G on transcript NM_000785.4 (MANE Select); coding-DNA position 347, A replaced by G.
Protein change: p.His116Arg; replaces histidine 116 with arginine.
Molecular consequence: missense variant.
Genome position (GRCh38, 1-based): chr12:57,766,046, T>C on the plus strand (A>G on the coding strand, the complement: CYP27B1 is on the minus strand). VCF-style: chr12-57766046-T-C. GRCh37 (hg19) VCF-style: chr12-58159829-T-C.
Other names: short protein forms H116R.
Identifiers: ClinVar variation 2097449 (VCV002097449.4), dbSNP rs2140397628, ClinGen allele CA385507758.

ClinVar aggregate classification (germline): Uncertain significance (1 of 4 stars; one submission).

Submission:

Labcorp Genetics (formerly Invitae), Labcorp
Classification: Uncertain significance. Last evaluated: 2022-02-13. Review status: criteria provided, single submitter. Criteria: Invitae Variant Classification Sherloc (09022015). Collection method: clinical testing. Allele origin: germline.
Comment: In summary, the available evidence is currently insufficient to determine the role of this variant in disease. Therefore, it has been classified as a Variant of Uncertain Significance. Advanced modeling of protein sequence and biophysical properties (such as structural, functional, and spatial information, amino acid conservation, physicochemical variation, residue mobility, and thermodynamic stability) performed at Invitae indicates that this missense variant is expected to disrupt CYP27B1 protein function. This variant has not been reported in the literature in individuals affected with CYP27B1-related conditions. This variant is not present in population databases (gnomAD no frequency). This sequence change replaces histidine, which is basic and polar, with arginine, which is basic and polar, at codon 116 of the CYP27B1 protein (p.His116Arg).